The following is an entry in ClinVar:

NM_001276345.2(TNNT2):c.*3C>G

Gene: TNNT2 (troponin T2, cardiac type; minus strand). Cytogenetic location: 1q32.1.
Variant type: single nucleotide variant.
Coding change: c.*3C>G on transcript NM_001276345.2 (MANE Select); 3 bases downstream of the stop codon, C replaced by G.
Molecular consequence: 3 prime UTR variant.
Genome position (GRCh38, 1-based): chr1:201,359,207, G>C on the plus strand (C>G on the coding strand, the complement: TNNT2 is on the minus strand). VCF-style: chr1-201359207-G-C. GRCh37 (hg19) VCF-style: chr1-201328335-G-C.
Other names: c.*3C>G (NM_000364.4, NM_001001430.3, NM_001001431.3 and 3 more transcripts).
Identifiers: ClinVar variation 1171777 (VCV001171777.2), dbSNP rs529731863, ClinGen allele CA088848.
Genomic context (GRCh38, chr1:201,359,207, plus strand): 5'-GGGGAGTGCAGGCCGGAGGCAGGTGCGAGCGAGGAGCAGATCTTTGGTGAAGGAGGCCAG[G>C]CTCTATTTCCAGCGCCCGGTGACTTTAGCCTTCCCGCGGGTCTTGGAGCTGCAGGGGAAG-3'

ClinVar aggregate classification (germline): Uncertain significance (1 of 4 stars; one submission).

Conditions:
Cardiomyopathy (CMYO). Also called: Cardiomyopathies. Identifiers: Orphanet 167848, MedGen C0878544, MONDO:0004994, HP:0001638. Inheritance: Various modes of inheritance.

Submission:

Color Diagnostics, LLC DBA Color Health
Classification: Uncertain significance for Cardiomyopathy. Last evaluated: 2020-07-13. Review status: criteria provided, single submitter. Criteria: ACMG Guidelines, 2015. Collection method: clinical testing. Allele origin: germline.
Comment: This variant changes 1 nucleotide in the 3' untranslated region of the TNNT2 gene. To our knowledge, functional studies have not been reported for this variant. This variant has not been reported in individuals affected with cardiovascular disorders in the literature. This variant has not been identified in the general population by the Genome Aggregation Database (gnomAD). The available evidence is insufficient to determine the role of this variant in disease conclusively. Therefore, this variant is classified as a Variant of Uncertain Significance.